The following is an entry in ClinVar:

ClinVar aggregate classification (germline): Uncertain significance. Review status: criteria provided, multiple submitters, no conflicts (2 of 4 stars). 2 submissions from 2 submitters: Uncertain significance (2). Last evaluated 2021-12-21.

Conditions:
Rhabdoid tumor predisposition syndrome 2 (RTPS2). Identifiers: Orphanet 231108, Orphanet 69077, MedGen C2750074, MONDO:0013224, OMIM 613325.
Hereditary cancer-predisposing syndrome. Also called: Hereditary neoplastic syndrome; Tumor predisposition; Neoplastic Syndromes, Hereditary; Hereditary Cancer Syndrome. Identifiers: Orphanet 140162, MedGen C0027672, MeSH D009386, MONDO:0015356.

Submissions (2):

Ambry Genetics
Classification: Uncertain significance for Hereditary cancer-predisposing syndrome. Last evaluated: 2021-12-21. Review status: criteria provided, single submitter. Criteria: Ambry Variant Classification Scheme 2023. Collection method: clinical testing. Allele origin: germline.
Comment: The p.P123T variant (also known as c.367C>A), located in coding exon 3 of the SMARCA4 gene, results from a C to A substitution at nucleotide position 367. The proline at codon 123 is replaced by threonine, an amino acid with highly similar properties. This amino acid position is highly conserved in available vertebrate species. In addition, the in silico prediction for this alteration is inconclusive. Missense and in-frame variants in SMARCA4 are known to cause neurodevelopmental disorders; however, such associations with rhabdoid tumor predisposition syndrome including small cell carcinoma of the ovary-hypercalcemic type (SCCOHT) are exceedingly rare (Kosho T et al. Am J Med Genet C Semin Med Genet. 2014 Sep;166C(3):262-75; Jelinic P et al. Nat Genet. 2014 May;46(5):424-6). Since supporting evidence is limited at this time, the clinical significance of this alteration remains unclear.

Labcorp Genetics (formerly Invitae), Labcorp
Classification: Uncertain significance for Rhabdoid tumor predisposition syndrome 2. Last evaluated: 2021-09-01. Review status: criteria provided, single submitter. Criteria: Invitae Variant Classification Sherloc (09022015). Collection method: clinical testing. Allele origin: germline.

NM_003072.5(SMARCA4):c.367C>A (p.Pro123Thr)

Gene: SMARCA4 (SWI/SNF related BAF chromatin remodeling complex subunit ATPase 4; plus strand). Cytogenetic location: 19p13.2.
Variant type: single nucleotide variant.
Coding change: c.367C>A on transcript NM_003072.5 (MANE Select); coding-DNA position 367, C replaced by A.
Protein change: p.Pro123Thr; replaces proline 123 with threonine.
Molecular consequence: missense variant. On other transcripts: non-coding transcript variant (1).
Genome position (GRCh38, 1-based): chr19:10,986,200, C>A. VCF-style: chr19-10986200-C-A. GRCh37 (hg19) VCF-style: chr19-11096876-C-A.
Other names: c.367C>A, p.Pro123Thr (NM_001128844.3, NM_001128845.2, NM_001128846.2 and 5 more transcripts); short protein forms P123T.
Identifiers: ClinVar variation 1502591 (VCV001502591.5), dbSNP rs1568421595, ClinGen allele CA404055592.